The following is an entry in ClinVar:

ClinVar aggregate classification (germline): Uncertain significance (1 of 4 stars; one submission).

Conditions:
CYP7B1-related disorder. Also called: CYP7B1-related condition.

gnomAD v4.1: 3 of 1,613,622 alleles (0.00019%); highest among the groups gnomAD compares: Admixed American, 0.0033%; no homozygotes.

Submission:

PreventionGenetics, part of Exact Sciences
Classification: Uncertain significance for CYP7B1-related condition. Last evaluated: 2025-06-16. Review status: criteria provided, single submitter. Criteria: ACMG Guidelines, 2015. Collection method: clinical testing. Allele origin: germline.
Comment: The CYP7B1 c.917A>T variant is predicted to result in the amino acid substitution p.Tyr306Phe. To our knowledge, this variant has not been reported in the literature. An alternate variant impacting the same amino acid (c. 916T>G (p.Tyr306Asp)) has been reported in the compound heterozygous state in an individual with hereditary spastic paraplegia type 5 (Supplementary Table 1, Schöls et al. 2017. PubMed ID: 29126212). This variant is reported in 0.0029% of alleles in individuals of Latino descent in gnomAD. At this time, the clinical significance of this variant is uncertain due to the absence of conclusive functional and genetic evidence.

NM_004820.5(CYP7B1):c.917A>T (p.Tyr306Phe)

Gene: CYP7B1 (cytochrome P450 family 7 subfamily B member 1; minus strand). Cytogenetic location: 8q12.3.
Variant type: single nucleotide variant.
Coding change: c.917A>T on transcript NM_004820.5 (MANE Select); coding-DNA position 917, A replaced by T.
Protein change: p.Tyr306Phe; replaces tyrosine 306 with phenylalanine.
Molecular consequence: missense variant.
Genome position (GRCh38, 1-based): chr8:64,615,166, T>A on the plus strand (A>T on the coding strand, the complement: CYP7B1 is on the minus strand). VCF-style: chr8-64615166-T-A. GRCh37 (hg19) VCF-style: chr8-65527723-T-A.
Other names: c.917A>T, p.Tyr306Phe (NM_001324112.2); short protein forms Y306F.
Identifiers: ClinVar variation 4990117 (VCV004990117.1).
Genomic context (GRCh38, chr8:64,615,166, plus strand): 5'-AGCAAACGGTCAATTTCGTCACGCACTGCTGCCATAGCTTCTGGGTGCCGCAGAAGATAA[T>A]ACATTGCCCAGAACATAGTTGGAATAGTGTTTGCCACAGAGGCCCAGAGAAAGCCTAAAT-3'
Protein context (NP_004811.1, residues 296-316): NTIPTMFWAM[Tyr306Phe]YLLRHPEAMA